The following is an entry in ClinVar:

NM_019886.4(CHST7):c.1138C>T (p.Arg380Trp)

Gene: CHST7 (carbohydrate sulfotransferase 7; plus strand). Cytogenetic location: Xp11.3.
Variant type: single nucleotide variant.
Coding change: c.1138C>T on transcript NM_019886.4 (MANE Select); coding-DNA position 1138, C replaced by T.
Protein change: p.Arg380Trp; replaces arginine 380 with tryptophan.
Molecular consequence: missense variant.
Genome position (GRCh38, 1-based): chrX:46,575,069, C>T. VCF-style: chrX-46575069-C-T. GRCh37 (hg19) VCF-style: chrX-46434504-C-T.
Other names: c.1138C>T (NM_019886.2); short protein forms R380W.
Identifiers: ClinVar variation 2660384 (VCV002660384.25), dbSNP rs780631772, ClinGen allele CA10393649.
Genomic context (GRCh38, chrX:46,575,069, plus strand): 5'-CGCGGCGCGCCCGCCTGGCTGCGGCGCCGCTACCTGAGGCTGCGCTATGAGGACCTGGTG[C>T]GGCAGCCACGCGCCCAGCTGCGCCGCCTGCTGCGCTTCTCCGGGCTACGCGCGCTCGCAG-3'
Protein context (NP_063939.2, residues 370-390): YLRLRYEDLV[Arg380Trp]QPRAQLRRLL

ClinVar aggregate classification (germline): Conflicting classifications of pathogenicity. Review status: criteria provided, conflicting classifications (1 of 4 stars). 2 submissions from 2 submitters: Uncertain significance (1); Likely benign (1). Last evaluated 2024-08-05.

Allele frequency attached by ClinVar (database versions not stated): ExAC 0.00277.
gnomAD v4.1: 474 of 1,126,393 alleles (0.042%); highest among the groups gnomAD compares: Non-Finnish European, 0.041%; 1 homozygote.

Submissions (2):

Ambry Genetics
Classification: Uncertain significance. Last evaluated: 2024-08-05. Review status: criteria provided, single submitter. Criteria: Ambry Variant Classification Scheme 2023. Collection method: clinical testing. Allele origin: germline.

CeGaT Center for Human Genetics Tuebingen
Classification: Likely benign. Last evaluated: 2023-04-01. Review status: criteria provided, single submitter. Criteria: CeGaT Center For Human Genetics Tuebingen Variant Classification Criteria Version 2. Collection method: clinical testing. Allele origin: germline. Affected: yes. Observed: 1 variant allele.
Comment: CHST7: BS2